The following is an entry in ClinVar:

NM_001386795.1(DTNA):c.236C>T (p.Ser79Phe)

Gene: DTNA (dystrobrevin alpha; plus strand). Cytogenetic location: 18q12.1.
Variant type: single nucleotide variant.
Coding change: c.236C>T on transcript NM_001386795.1 (MANE Select); coding-DNA position 236, C replaced by T.
Protein change: p.Ser79Phe; replaces serine 79 with phenylalanine.
Molecular consequence: missense variant.
Genome position (GRCh38, 1-based): chr18:34,794,124, C>T. VCF-style: chr18-34794124-C-T. GRCh37 (hg19) VCF-style: chr18-32374088-C-T.
Other names: c.236C>T, p.Ser79Phe (NM_001128175.2, NM_001198938.2, NM_001198939.2 and 35 more transcripts); short protein forms S79F.
Identifiers: ClinVar variation 1345412 (VCV001345412.6), dbSNP rs779579352, ClinGen allele CA402274944.

ClinVar aggregate classification (germline): Uncertain significance (1 of 4 stars; one submission).

Conditions:
Left ventricular noncompaction 1 (LVNC1). Also called: LEFT VENTRICULAR NONCOMPACTION 1 WITH OR WITHOUT CONGENITAL HEART DEFECTS. Identifiers: Orphanet 54260, MedGen C1858725, MONDO:0011403, OMIM 604169.

Submission:

Labcorp Genetics (formerly Invitae), Labcorp
Classification: Uncertain significance for Left ventricular noncompaction 1. Last evaluated: 2021-10-18. Review status: criteria provided, single submitter. Criteria: Invitae Variant Classification Sherloc (09022015). Collection method: clinical testing. Allele origin: germline.
Comment: In summary, the available evidence is currently insufficient to determine the role of this variant in disease. Therefore, it has been classified as a Variant of Uncertain Significance. Algorithms developed to predict the effect of missense changes on protein structure and function are either unavailable or do not agree on the potential impact of this missense change (SIFT: "Deleterious"; PolyPhen-2: "Possibly Damaging"; Align-GVGD: "Class C15"). This variant has not been reported in the literature in individuals affected with DTNA-related conditions. This variant is not present in population databases (ExAC no frequency). This sequence change replaces serine with phenylalanine at codon 79 of the DTNA protein (p.Ser79Phe). The serine residue is weakly conserved and there is a large physicochemical difference between serine and phenylalanine.